The following is an entry in ClinVar:

ClinVar aggregate classification (germline): Uncertain significance (1 of 4 stars; one submission).

Submission:

Labcorp Genetics (formerly Invitae), Labcorp
Classification: Uncertain significance. Last evaluated: 2024-02-24. Review status: criteria provided, single submitter. Criteria: Invitae Variant Classification Sherloc (09022015). Collection method: clinical testing. Allele origin: germline.
Comment: This sequence change replaces phenylalanine, which is neutral and non-polar, with leucine, which is neutral and non-polar, at codon 338 of the ABHD12 protein (p.Phe338Leu). This variant is not present in population databases (gnomAD no frequency). This variant has not been reported in the literature in individuals affected with ABHD12-related conditions. ClinVar contains an entry for this variant (Variation ID: 1473101). Advanced modeling of protein sequence and biophysical properties (such as structural, functional, and spatial information, amino acid conservation, physicochemical variation, residue mobility, and thermodynamic stability) performed at Invitae indicates that this missense variant is not expected to disrupt ABHD12 protein function with a negative predictive value of 80%. In summary, the available evidence is currently insufficient to determine the role of this variant in disease. Therefore, it has been classified as a Variant of Uncertain Significance.

NM_001042472.3(ABHD12):c.1014C>A (p.Phe338Leu)

Gene: ABHD12 (abhydrolase domain containing 12, lysophospholipase; minus strand). Cytogenetic location: 20p11.21.
Variant type: single nucleotide variant.
Coding change: c.1014C>A on transcript NM_001042472.3 (MANE Select); coding-DNA position 1014, C replaced by A.
Protein change: p.Phe338Leu; replaces phenylalanine 338 with leucine.
Molecular consequence: missense variant.
Genome position (GRCh38, 1-based): chr20:25,303,565, G>T on the plus strand (C>A on the coding strand, the complement: ABHD12 is on the minus strand). VCF-style: chr20-25303565-G-T. GRCh37 (hg19) VCF-style: chr20-25284201-G-T.
Other names: c.1014C>A, p.Phe338Leu (NM_015600.5); short protein forms F338L.
Identifiers: ClinVar variation 1473101 (VCV001473101.8), dbSNP rs2145920686, ClinGen allele CA408455209.